The following is an entry in ClinVar:

NM_001042492.3(NF1):c.1853_1859del (p.Asp618fs)

Gene: NF1 (neurofibromin 1; plus strand). Cytogenetic location: 17q11.2.
Variant type: Deletion.
Coding change: c.1853_1859del on transcript NM_001042492.3 (MANE Select); coding-DNA positions 1853 to 1859, 7 bases deleted (ATAGAAG; older notation c.1853_1859delATAGAAG).
Protein change: p.Asp618fs; shifts the reading frame from aspartic acid 618.
Molecular consequence: frameshift variant.
Genome position (GRCh38, 1-based): chr17:31,225,102-31,225,108, ATAGAAG deleted; deleting any 7 consecutive bases within chr17:31,225,100-31,225,108 gives the same sequence; the c. name uses the placement nearest the transcript's 3' end. VCF-style (leftmost placement, unchanged base first): chr17-31225099-CAGATAGA-C. GRCh37 (hg19) VCF-style: chr17-29552117-CAGATAGA-C.
Other names: c.1853_1859del, p.Asp618fs (NM_000267.4); short protein forms D618fs.
Identifiers: ClinVar variation 4721711 (VCV004721711.1).
Genomic context (GRCh38, chr17:31,225,099, plus strand): 5'-TTATTCCTCTTGGTTGTCAGTGCTTCAGTAAAGCTTATTTATTTATTTTTTTCTAGCAGG[CAGATAGA>C]AGTTCCTGTCACTTTCTCCTTTTTTACGGGGTAGGATGTGATATTCCTTCTAGTGGAAAT-3'

ClinVar aggregate classification (germline): Pathogenic (1 of 4 stars; one submission).

Conditions:
Neurofibromatosis, type 1 (NF1). Also called: NEUROFIBROMATOSIS, TYPE I, SOMATIC; VON RECKLINGHAUSEN DISEASE; Peripheral type neurofibromatosis; Neurofibromatosis, type I. Identifiers: Orphanet 636, MedGen C0027831, MONDO:0018975, OMIM 162200. Disease mechanism: loss of function.

Submission:

Labcorp Genetics (formerly Invitae), Labcorp
Classification: Pathogenic for Neurofibromatosis, type 1. Last evaluated: 2025-06-19. Review status: criteria provided, single submitter. Criteria: Invitae Variant Classification Sherloc (09022015). Collection method: clinical testing. Allele origin: germline.
Comment: This sequence change creates a premature translational stop signal (p.Asp618Valfs*11) in the NF1 gene. It is expected to result in an absent or disrupted protein product. Loss-of-function variants in NF1 are known to be pathogenic (PMID: 10712197, 23913538). This variant is not present in population databases (gnomAD no frequency). This variant has not been reported in the literature in individuals affected with NF1-related conditions. For these reasons, this variant has been classified as Pathogenic.

Literature cited by the submitters: PubMed 10712197; PubMed 23913538.